The following is an entry in ClinVar:

NM_015909.4(NBAS):c.4270A>G (p.Thr1424Ala)

Gene: NBAS (NBAS subunit of NRZ tethering complex; minus strand). Cytogenetic location: 2p24.3.
Variant type: single nucleotide variant.
Coding change: c.4270A>G on transcript NM_015909.4 (MANE Select); coding-DNA position 4270, A replaced by G.
Protein change: p.Thr1424Ala; replaces threonine 1424 with alanine.
Molecular consequence: missense variant. On other transcripts: non-coding transcript variant (1).
Genome position (GRCh38, 1-based): chr2:15,330,675, T>C on the plus strand (A>G on the coding strand, the complement: NBAS is on the minus strand). VCF-style: chr2-15330675-T-C. GRCh37 (hg19) VCF-style: chr2-15470799-T-C.
Other names: short protein forms T1424A.
Identifiers: ClinVar variation 1394602 (VCV001394602.5), dbSNP rs2148233452, ClinGen allele CA345881544.
Genomic context (GRCh38, chr2:15,330,675, plus strand): 5'-AAGTTAAAGACTTCTTCCACCACTGCCCATCACTGACGGCCTGCAGCACCGCTTTGGTGG[T>C]GGTTGTGGTGTTGGAAAGGACTTTCATGGTGGTAGCAGTGGTCCAGCGCAATAGGTCAGC-3'
Protein context (NP_056993.2, residues 1414-1434): TMKVLSNTTT[Thr1424Ala]TKAVLQAVSD

ClinVar aggregate classification (germline): Uncertain significance (1 of 4 stars; one submission).

gnomAD v4.1: 2 of 1,614,048 alleles (0.00012%); highest among the groups gnomAD compares: Admixed American, 0.0017%; no homozygotes.

Submission:

Labcorp Genetics (formerly Invitae), Labcorp
Classification: Uncertain significance. Last evaluated: 2022-06-18. Review status: criteria provided, single submitter. Criteria: Invitae Variant Classification Sherloc (09022015). Collection method: clinical testing. Allele origin: germline.
Comment: This sequence change replaces threonine, which is neutral and polar, with alanine, which is neutral and non-polar, at codon 1424 of the NBAS protein (p.Thr1424Ala). This variant is not present in population databases (gnomAD no frequency). In summary, the available evidence is currently insufficient to determine the role of this variant in disease. Therefore, it has been classified as a Variant of Uncertain Significance. Algorithms developed to predict the effect of missense changes on protein structure and function (SIFT, PolyPhen-2, Align-GVGD) all suggest that this variant is likely to be disruptive. This variant has not been reported in the literature in individuals affected with NBAS-related conditions.